The following is an entry in ClinVar:

NM_022124.6(CDH23):c.4051A>G (p.Asn1351Asp)

Genes: C10orf105 (chromosome 10 open reading frame 105; minus strand), CDH23 (cadherin related 23; plus strand). Cytogenetic location: 10q22.1.
Variant type: single nucleotide variant.
Coding change: c.4051A>G on transcript NM_022124.6 (MANE Select); coding-DNA position 4051, A replaced by G.
Protein change: p.Asn1351Asp; replaces asparagine 1351 with aspartic acid.
Molecular consequence: missense variant. On other transcripts: intron variant (1).
Genome position (GRCh38, 1-based): chr10:71,732,322, A>G. VCF-style: chr10-71732322-A-G. GRCh37 (hg19) VCF-style: chr10-73492079-A-G.
Other names: c.4051A>G, p.Asn1351Asp (NM_001171930.2); c.-6+5406T>C (NM_001168390.2); short protein forms N1351D.
Identifiers: ClinVar variation 45937 (VCV000045937.33), dbSNP rs1227065, ClinGen allele CA137414.

ClinVar aggregate classification (germline): Benign. Review status: criteria provided, multiple submitters, no conflicts (2 of 4 stars). 15 submissions from 13 submitters: Benign (13). 2 of the submissions do not count toward it. Last evaluated 2026-02-04.

Conditions:
Usher syndrome type 1 (USH1). Also called: RETINITIS PIGMENTOSA AND CONGENITAL DEAFNESS. Identifiers: Orphanet 231169, Orphanet 886, MedGen C1568247, MONDO:0010168, OMIM 276900.
Retinitis pigmentosa-deafness syndrome. Also called: Dystrophia retinae pigmentosa-dysostosis syndrome; Graefe-Usher syndrome; Hallgren syndrome; RETINITIS PIGMENTOSA 21; RETINITIS PIGMENTOSA 8; Retinitis pigmentosa 8, formerly. Identifiers: MedGen C5779620, MONDO:0010775, OMIM 500004.
Autosomal recessive nonsyndromic hearing loss 12. Also called: DEAFNESS, AUTOSOMAL RECESSIVE 12. Identifiers: Orphanet 90636, MedGen C1832394, MONDO:0011067, OMIM 601386.
Usher syndrome type 1D (USH1D). Also called: USHER SYNDROME, TYPE ID. Identifiers: Orphanet 231169, Orphanet 886, MedGen C1832845, MONDO:0010984, OMIM 601067.

Allele frequency attached by ClinVar (database versions not stated): ExAC 0.81593; 1000 Genomes Project 0.78215; gnomAD 0.79927 and 0.79969; gnomAD exomes 0.80689 and 0.80754; 1000 Genomes Project 30x 0.77904; TOPMed 0.80331; ESP Exome Variant Server 0.81290.
gnomAD v4.1: 1,290,804 of 1,599,966 alleles (81%); highest among the groups gnomAD compares: East Asian, 83%; 521,105 homozygotes.

Submissions (15):

Labcorp Genetics (formerly Invitae), Labcorp
Classification: Benign. Last evaluated: 2026-02-04. Review status: criteria provided, single submitter. Criteria: Invitae Variant Classification Sherloc (09022015). Collection method: clinical testing. Allele origin: germline.

Women's Health and Genetics/Laboratory Corporation of America, LabCorp
Classification: Benign. Last evaluated: 2025-11-14. Review status: criteria provided, single submitter. Criteria: LabCorp Variant Classification Summary - May 2015. Collection method: clinical testing. Allele origin: germline.

Genome-Nilou Lab
Classification: Benign for Usher syndrome type 1D. Last evaluated: 2021-07-01. Review status: criteria provided, single submitter. Criteria: ACMG Guidelines, 2015. Collection method: clinical testing. Allele origin: germline. Affected: no.

Genome-Nilou Lab
Classification: Benign for Autosomal recessive nonsyndromic hearing loss 12. Last evaluated: 2021-07-01. Review status: criteria provided, single submitter. Criteria: ACMG Guidelines, 2015. Collection method: clinical testing. Allele origin: germline. Affected: no.

Mayo Clinic Laboratories, Mayo Clinic
Classification: Benign. Last evaluated: 2019-06-24. Review status: criteria provided, single submitter. Criteria: ACMG Guidelines, 2015. Collection method: clinical testing. Allele origin: germline. Observed: 154 variant alleles.

Mendelics
Classification: Benign for Retinitis pigmentosa-deafness syndrome. Last evaluated: 2019-05-28. Review status: criteria provided, single submitter. Criteria: Mendelics Assertion Criteria 2017. Collection method: clinical testing. Allele origin: unknown.

Illumina Laboratory Services, Illumina
Classification: Benign for Autosomal recessive nonsyndromic hearing loss 12. Last evaluated: 2018-01-13. Review status: criteria provided, single submitter. Criteria: ICSL Variant Classification Criteria 13 December 2019. Collection method: clinical testing. Allele origin: germline.
Comment: This variant was observed in the ICSL laboratory as part of a predisposition screen in an ostensibly healthy population. It had not been previously curated by ICSL or reported in the Human Gene Mutation Database (HGMD: prior to June 1st, 2018), and was therefore a candidate for classification through an automated scoring system. Utilizing variant allele frequency, disease prevalence and penetrance estimates, and inheritance mode, an automated score was calculated to assess if this variant is too frequent to cause the disease. Based on the score and internal cut-off values, a variant classified as benign is not then subjected to further curation. The score for this variant resulted in a classification of benign for this disease.

Illumina Laboratory Services, Illumina
Classification: Benign for Usher syndrome type 1D. Last evaluated: 2018-01-13. Review status: criteria provided, single submitter. Criteria: ICSL Variant Classification Criteria 13 December 2019. Collection method: clinical testing. Allele origin: germline.
Comment: the same text as in the submission from Illumina Laboratory Services, Illumina above.

GeneDx
Classification: Benign. Last evaluated: 2015-03-03. Review status: criteria provided, single submitter. Criteria: GeneDx Variant Classification Process June 2021. Collection method: clinical testing. Allele origin: germline. Affected: yes.

Eurofins Ntd Llc (ga)
Classification: Benign. Last evaluated: 2013-09-20. Review status: criteria provided, single submitter. Criteria: EGL Classification Definitions 2015. Collection method: clinical testing. Allele origin: germline. Observed: 1 variant allele, 1 homozygote.

Laboratory for Molecular Medicine, Mass General Brigham Personalized Medicine
Classification: Benign. Last evaluated: 2012-02-02. Review status: criteria provided, single submitter. Criteria: LMM Criteria. Collection method: clinical testing. Allele origin: germline. Observed: 1,734 variant alleles.
Comment: Inferred frequency = 196/301

Breakthrough Genomics
Classification: Benign. Review status: criteria provided, single submitter. Criteria: ACMG Guidelines, 2015. Collection method: not provided. Allele origin: germline. Inheritance: Autosomal recessive inheritance. Affected: yes.

PreventionGenetics, part of Exact Sciences
Classification: Benign. Review status: criteria provided, single submitter. Criteria: ACMG Guidelines, 2015. Collection method: clinical testing. Allele origin: germline.

Natera, Inc.
Classification: Benign for Usher syndrome type 1. Last evaluated: 2020-09-16. Review status: no assertion criteria provided. Collection method: clinical testing. Allele origin: germline. Not counted in ClinVar's aggregate classification.

Joint Genome Diagnostic Labs from Nijmegen and Maastricht, Radboudumc and MUMC+
Classification: Benign. Review status: no assertion criteria provided. Collection method: clinical testing. Allele origin: germline. Affected: yes. Study: VKGL Data-share Consensus. Not counted in ClinVar's aggregate classification.